The following is an entry in ClinVar:

ClinVar aggregate classification (germline): Uncertain significance (1 of 4 stars; one submission).

Submission:

Labcorp Genetics (formerly Invitae), Labcorp
Classification: Uncertain significance. Last evaluated: 2025-08-03. Review status: criteria provided, single submitter. Criteria: Invitae Variant Classification Sherloc (09022015). Collection method: clinical testing. Allele origin: germline.
Comment: This sequence change replaces isoleucine, which is neutral and non-polar, with methionine, which is neutral and non-polar, at codon 658 of the NALCN protein (p.Ile658Met). This variant is not present in population databases (gnomAD no frequency). This variant has not been reported in the literature in individuals affected with NALCN-related conditions. An algorithm developed to predict the effect of missense changes on protein structure and function (PolyPhen-2) suggests that this variant is likely to be tolerated. In summary, the available evidence is currently insufficient to determine the role of this variant in disease. Therefore, it has been classified as a Variant of Uncertain Significance.

NM_052867.4(NALCN):c.1974C>G (p.Ile658Met)

Gene: NALCN (sodium leak channel, non-selective; minus strand). Cytogenetic location: 13q33.1.
Variant type: single nucleotide variant.
Coding change: c.1974C>G on transcript NM_052867.4 (MANE Select); coding-DNA position 1974, C replaced by G.
Protein change: p.Ile658Met; replaces isoleucine 658 with methionine.
Molecular consequence: missense variant.
Genome position (GRCh38, 1-based): chr13:101,144,762, G>C on the plus strand (C>G on the coding strand, the complement: NALCN is on the minus strand). VCF-style: chr13-101144762-G-C. GRCh37 (hg19) VCF-style: chr13-101797113-G-C.
Other names: c.1974C>G, p.Ile658Met (NM_001350748.2, NM_001350749.2); c.1887C>G, p.Ile629Met (NM_001350750.2, NM_001350751.2); short protein forms I658M, I629M.
Identifiers: ClinVar variation 4781977 (VCV004781977.1).